The following is an entry in ClinVar:

ClinVar aggregate classification (germline): Uncertain significance (1 of 4 stars; one submission).

Submission:

Labcorp Genetics (formerly Invitae), Labcorp
Classification: Uncertain significance. Last evaluated: 2021-07-28. Review status: criteria provided, single submitter. Criteria: Invitae Variant Classification Sherloc (09022015). Collection method: clinical testing. Allele origin: germline.
Comment: This sequence change falls in intron 3 of the SLC9A3 gene. It does not directly change the encoded amino acid sequence of the SLC9A3 protein. It affects a nucleotide within the consensus splice site of the intron. The frequency data for this variant in the population databases is not available, as this variant may be reported as separate entries in the ExAC database. This variant has not been reported in the literature in individuals affected with SLC9A3-related conditions. Nucleotide substitutions within the consensus splice site are a relatively common cause of aberrant splicing (PMID: 17576681, 9536098). Algorithms developed to predict the effect of sequence changes on RNA splicing suggest that this variant is not likely to affect RNA splicing. In summary, the available evidence is currently insufficient to determine the role of this variant in disease. Therefore, it has been classified as a Variant of Uncertain Significance.

Literature cited by the submitters: PubMed 17576681; PubMed 9536098.

NM_004174.4(SLC9A3):c.676-4_676-3delinsTT

Gene: SLC9A3 (solute carrier family 9 member A3). Cytogenetic location: 5p15.33.
Variant type: Indel.
Coding change: c.676-4_676-3delinsTT on transcript NM_004174.4 (MANE Select); 4 bases into the intron before coding-DNA position 676 through 3 bases into the intron before coding-DNA position 676, the reference bases replaced by TT.
Molecular consequence: intron variant.
Genome position: GRCh38 VCF-style: chr5-485234-GC-AA. GRCh37 (hg19) VCF-style: chr5-485349-GC-AA.
Other names: c.676-4_676-3delinsTT (NM_001284351.3).
Identifiers: ClinVar variation 1414258 (VCV001414258.3), dbSNP rs2126621960, ClinGen allele CA2573139581.